The following is an entry in ClinVar:

NC_000006.11:g.(?_15523206)_(16146982_?)del

Genes: DTNBP1 (dystrobrevin binding protein 1; minus strand), MYLIP (myosin regulatory light chain interacting protein; plus strand). Cytogenetic location: 6p22.3.
Variant type: Deletion.
Identifiers: ClinVar variation 2427022 (VCV002427022.3).

ClinVar aggregate classification (germline): Pathogenic (1 of 4 stars; one submission).

Submission:

Labcorp Genetics (formerly Invitae), Labcorp
Classification: Pathogenic. Last evaluated: 2022-05-13. Review status: criteria provided, single submitter. Criteria: Invitae Variant Classification Sherloc (09022015). Collection method: clinical testing. Allele origin: germline.
Comment: A gross deletion of the genomic region encompassing the full coding sequence of the DTNBP1 gene has been identified. Loss-of-function variants in DTNBP1 are known to be pathogenic (PMID: 12923531, 23364359). The boundaries of this event are unknown as they extend beyond the assayed region for this gene and therefore may encompass additional genes. This variant has not been reported in the literature in individuals affected with DTNBP1-related conditions. For these reasons, this variant has been classified as Pathogenic.

Literature cited by the submitters: PubMed 12923531; PubMed 23364359.